The following is an entry in ClinVar:

ClinVar aggregate classification (germline): Uncertain significance (1 of 4 stars; one submission).

Conditions:
Cardiovascular phenotype. Identifiers: MedGen CN230736.

Submission:

Ambry Genetics
Classification: Uncertain significance for Cardiovascular phenotype. Last evaluated: 2021-08-19. Review status: criteria provided, single submitter. Criteria: Ambry Variant Classification Scheme 2023. Collection method: clinical testing. Allele origin: germline.
Comment: The p.N633S variant (also known as c.1898A>G), located in coding exon 9 of the MYPN gene, results from an A to G substitution at nucleotide position 1898. The asparagine at codon 633 is replaced by serine, an amino acid with highly similar properties. This amino acid position is conserved. In addition, this alteration is predicted to be tolerated by in silico analysis. Since supporting evidence is limited at this time, the clinical significance of this alteration remains unclear.

NM_032578.4(MYPN):c.1898A>G (p.Asn633Ser)

Gene: MYPN (myopalladin; plus strand). Cytogenetic location: 10q21.3.
Variant type: single nucleotide variant.
Coding change: c.1898A>G on transcript NM_032578.4 (MANE Select); coding-DNA position 1898, A replaced by G.
Protein change: p.Asn633Ser; replaces asparagine 633 with serine.
Molecular consequence: missense variant. On other transcripts: non-coding transcript variant (2).
Genome position (GRCh38, 1-based): chr10:68,166,591, A>G. VCF-style: chr10-68166591-A-G. GRCh37 (hg19) VCF-style: chr10-69926348-A-G.
Other names: c.1898A>G, p.Asn633Ser (NM_001256267.2); c.1016A>G, p.Asn339Ser (NM_001256268.2); short protein forms N633S, N339S.
Identifiers: ClinVar variation 1782197 (VCV001782197.2), dbSNP rs2495737678, ClinGen allele CA376840690.
Genomic context (GRCh38, chr10:68,166,591, plus strand): 5'-CCGAGGCTGGTGTGGTGACCACCAGACAGACCAGGCCCGATTCTTTCCAGGAGAGGTTCA[A>G]CGGACAGGCAACAAAAACCCCAGAGCCTTCTTCCCCCGTGAAAGAGCCCCCTCCAGTTCT-3'
Protein context (NP_115967.2, residues 623-643): TRPDSFQERF[Asn633Ser]GQATKTPEPS